The following is an entry in ClinVar:

ClinVar aggregate classification (germline): Uncertain significance (1 of 4 stars; one submission).

Conditions:
Charcot-Marie-Tooth disease axonal type 2O. Also called: Charcot-Marie-Tooth disease, axonal, type 20; CHARCOT-MARIE-TOOTH NEUROPATHY, AXONAL, TYPE 2O; CHARCOT-MARIE-TOOTH DISEASE, AXONAL, AUTOSOMAL DOMINANT, TYPE 2O; Charcot-Marie-Tooth Neuropathy Type 2O. Identifiers: Orphanet 284232, MedGen C3280220, MONDO:0013644, OMIM 614228.

Submission:

Labcorp Genetics (formerly Invitae), Labcorp
Classification: Uncertain significance for Charcot-Marie-Tooth disease axonal type 2O. Last evaluated: 2024-09-30. Review status: criteria provided, single submitter. Criteria: Invitae Variant Classification Sherloc (09022015). Collection method: clinical testing. Allele origin: germline.
Comment: This sequence change replaces alanine, which is neutral and non-polar, with glycine, which is neutral and non-polar, at codon 4358 of the DYNC1H1 protein (p.Ala4358Gly). This variant is not present in population databases (gnomAD no frequency). This variant has not been reported in the literature in individuals affected with DYNC1H1-related conditions. Invitae Evidence Modeling of protein sequence and biophysical properties (such as structural, functional, and spatial information, amino acid conservation, physicochemical variation, residue mobility, and thermodynamic stability) indicates that this missense variant is not expected to disrupt DYNC1H1 protein function with a negative predictive value of 95%. In summary, the available evidence is currently insufficient to determine the role of this variant in disease. Therefore, it has been classified as a Variant of Uncertain Significance.

NM_001376.5(DYNC1H1):c.13073C>G (p.Ala4358Gly)

Gene: DYNC1H1 (dynein cytoplasmic 1 heavy chain 1; plus strand). Cytogenetic location: 14q32.31.
Variant type: single nucleotide variant.
Coding change: c.13073C>G on transcript NM_001376.5 (MANE Select); coding-DNA position 13073, C replaced by G.
Protein change: p.Ala4358Gly; replaces alanine 4358 with glycine.
Molecular consequence: missense variant.
Genome position (GRCh38, 1-based): chr14:102,047,883, C>G. VCF-style: chr14-102047883-C-G. GRCh37 (hg19) VCF-style: chr14-102514220-C-G.
Other names: short protein forms A4358G.
Identifiers: ClinVar variation 3636191 (VCV003636191.2).